The following is an entry in ClinVar:

ClinVar aggregate classification (germline): Uncertain significance. Review status: criteria provided, multiple submitters, no conflicts (2 of 4 stars). 2 submissions from 2 submitters: Uncertain significance (2). Last evaluated 2025-10-14.

Conditions:
Hereditary cancer-predisposing syndrome. Also called: Neoplastic Syndromes, Hereditary; Tumor predisposition; Hereditary Cancer Syndrome; Hereditary neoplastic syndrome. Identifiers: Orphanet 140162, MedGen C0027672, MeSH D009386, MONDO:0015356.
Ataxia-telangiectasia syndrome (AT). Also called: LOUIS-BAR SYNDROME; Cerebello-oculocutaneous telangiectasia; Immunodeficiency with ataxia telangiectasia; Ataxia telangiectasia (A-T); Ataxia-telangiectasia, complementation group D; AT, COMPLEMENTATION GROUP C. Identifiers: Orphanet 100, MedGen C0004135, MONDO:0008840, OMIM 208900.

Submissions (2):

Ambry Genetics
Classification: Uncertain significance for Hereditary cancer-predisposing syndrome. Last evaluated: 2025-10-14. Review status: criteria provided, single submitter. Criteria: Ambry Variant Classification Scheme 2023. Collection method: clinical testing. Allele origin: germline.
Comment: The p.Q2637H variant (also known as c.7911G>T), located in coding exon 52 of the ATM gene, results from a G to T substitution at nucleotide position 7911. The glutamine at codon 2637 is replaced by histidine, an amino acid with highly similar properties. This amino acid position is conserved. In addition, this alteration is predicted to be tolerated by in silico analysis. Based on the available evidence, the clinical significance of this variant remains unclear.

Labcorp Genetics (formerly Invitae), Labcorp
Classification: Uncertain significance for Ataxia-telangiectasia syndrome. Last evaluated: 2023-07-12. Review status: criteria provided, single submitter. Criteria: Invitae Variant Classification Sherloc (09022015). Collection method: clinical testing. Allele origin: germline.
Comment: An algorithm developed to predict the effect of missense changes on protein structure and function (PolyPhen-2) suggests that this variant is likely to be tolerated. ClinVar contains an entry for this variant (Variation ID: 1497430). This sequence change replaces glutamine, which is neutral and polar, with histidine, which is basic and polar, at codon 2637 of the ATM protein (p.Gln2637His). This variant is not present in population databases (gnomAD no frequency). This variant has not been reported in the literature in individuals affected with ATM-related conditions. In summary, the available evidence is currently insufficient to determine the role of this variant in disease. Therefore, it has been classified as a Variant of Uncertain Significance.

NM_000051.4(ATM):c.7911G>T (p.Gln2637His)

Genes: ATM (ATM serine/threonine kinase; plus strand), C11orf65 (chromosome 11 open reading frame 65; minus strand). Cytogenetic location: 11q22.3.
Variant type: single nucleotide variant.
Coding change: c.7911G>T on transcript NM_000051.4 (MANE Select); coding-DNA position 7911, G replaced by T.
Protein change: p.Gln2637His; replaces glutamine 2637 with histidine.
Molecular consequence: missense variant. On other transcripts: intron variant (2).
Genome position (GRCh38, 1-based): chr11:108,332,884, G>T. VCF-style: chr11-108332884-G-T. GRCh37 (hg19) VCF-style: chr11-108203611-G-T.
Other names: c.7911G>T, p.Gln2637His (NM_001351834.2); c.641-23813C>A (NM_001330368.2); c.*38+2336C>A (NM_001351110.2); short protein forms Q2637H.
Identifiers: ClinVar variation 1497430 (VCV001497430.8), dbSNP rs2136572151, ClinGen allele CA382561498.